The following is an entry in ClinVar:

NM_001166108.2(PALLD):c.*168C>A

Genes: CBR4 (carbonyl reductase 4; minus strand), PALLD (palladin, cytoskeletal associated protein; plus strand). Cytogenetic location: 4q32.3.
Variant type: single nucleotide variant.
Coding change: c.*168C>A on transcript NM_001166108.2 (MANE Select); 168 bases downstream of the stop codon, C replaced by A.
Molecular consequence: 3 prime UTR variant. On other transcripts: missense variant (4).
Genome position (GRCh38, 1-based): chr4:168,926,348, C>A. VCF-style: chr4-168926348-C-A. GRCh37 (hg19) VCF-style: chr4-169847499-C-A.
Other names: c.2297C>A, p.Thr766Lys (NM_001166109.2); c.1982C>A, p.Thr661Lys (NM_001166110.2); c.*168C>A (NM_001367567.1, NM_001367570.1, NM_016081.4); c.1373C>A, p.Thr458Lys (NM_001367568.1); c.1322C>A, p.Thr441Lys (NM_001367569.1); short protein forms T441K, T661K, T766K, T458K.
Identifiers: ClinVar variation 3722551 (VCV003722551.2).

ClinVar aggregate classification (germline): Uncertain significance (1 of 4 stars; one submission).

Conditions:
Pancreatic adenocarcinoma. Identifiers: MedGen C0281361, MONDO:0006047, HP:0006725.

Submission:

Labcorp Genetics (formerly Invitae), Labcorp
Classification: Uncertain significance for Pancreatic adenocarcinoma. Last evaluated: 2024-10-09. Review status: criteria provided, single submitter. Criteria: Invitae Variant Classification Sherloc (09022015). Collection method: clinical testing. Allele origin: germline.
Comment: This sequence change replaces threonine, which is neutral and polar, with lysine, which is basic and polar, at codon 661 of the PALLD protein (p.Thr661Lys). This variant is not present in population databases (gnomAD no frequency). This variant has not been reported in the literature in individuals affected with PALLD-related conditions. An algorithm developed to predict the effect of missense changes on protein structure and function (PolyPhen-2) suggests that this variant is likely to be tolerated. In summary, the available evidence is currently insufficient to determine the role of this variant in disease. Therefore, it has been classified as a Variant of Uncertain Significance.